The following is an entry in ClinVar:

NM_020821.3(VPS13C):c.9614A>G (p.Tyr3205Cys)

Gene: VPS13C (vacuolar protein sorting 13 homolog C; minus strand). Cytogenetic location: 15q22.2.
Variant type: single nucleotide variant.
Coding change: c.9614A>G on transcript NM_020821.3 (MANE Select); coding-DNA position 9614, A replaced by G.
Protein change: p.Tyr3205Cys; replaces tyrosine 3205 with cysteine.
Molecular consequence: missense variant.
Genome position (GRCh38, 1-based): chr15:61,882,606, T>C on the plus strand (A>G on the coding strand, the complement: VPS13C is on the minus strand). VCF-style: chr15-61882606-T-C. GRCh37 (hg19) VCF-style: chr15-62174805-T-C.
Other names: c.9614A>G, p.Tyr3205Cys (NM_001018088.3); c.9485A>G, p.Tyr3162Cys (NM_017684.5, NM_018080.4); short protein forms Y3162C, Y3205C.
Identifiers: ClinVar variation 1387255 (VCV001387255.6), dbSNP rs2140046676, ClinGen allele CA392673210.

ClinVar aggregate classification (germline): Uncertain significance (1 of 4 stars; one submission).

Submission:

Labcorp Genetics (formerly Invitae), Labcorp
Classification: Uncertain significance. Last evaluated: 2021-10-15. Review status: criteria provided, single submitter. Criteria: Invitae Variant Classification Sherloc (09022015). Collection method: clinical testing. Allele origin: germline.
Comment: In summary, the available evidence is currently insufficient to determine the role of this variant in disease. Therefore, it has been classified as a Variant of Uncertain Significance. Algorithms developed to predict the effect of missense changes on protein structure and function (SIFT, PolyPhen-2, Align-GVGD) all suggest that this variant is likely to be tolerated. This variant has not been reported in the literature in individuals affected with VPS13C-related conditions. This variant is not present in population databases (ExAC no frequency). This sequence change replaces tyrosine with cysteine at codon 3205 of the VPS13C protein (p.Tyr3205Cys). The tyrosine residue is moderately conserved and there is a large physicochemical difference between tyrosine and cysteine.